The following is an entry in ClinVar:

ClinVar aggregate classification (germline): Uncertain significance (1 of 4 stars; one submission).

Conditions:
Angelman syndrome-like. Identifiers: MedGen CN128785.
Developmental and epileptic encephalopathy, 2 (DEE2). Also called: INFANTILE SPASM SYNDROME, X-LINKED 2; CDKL5 deficiency disorder. Identifiers: Orphanet 1934, Orphanet 3451, Orphanet 505652, MedGen C4750718, MONDO:0010396, OMIM 300672.

Submission:

Labcorp Genetics (formerly Invitae), Labcorp
Classification: Uncertain significance for Developmental and epileptic encephalopathy, 2; Angelman syndrome-like. Last evaluated: 2025-04-10. Review status: criteria provided, single submitter. Criteria: Invitae Variant Classification Sherloc (09022015). Collection method: clinical testing. Allele origin: germline.
Comment: This sequence change replaces glutamic acid, which is acidic and polar, with aspartic acid, which is acidic and polar, at codon 552 of the CDKL5 protein (p.Glu552Asp). This variant is not present in population databases (gnomAD no frequency). This variant has not been reported in the literature in individuals affected with CDKL5-related conditions. Invitae Evidence Modeling of protein sequence and biophysical properties (such as structural, functional, and spatial information, amino acid conservation, physicochemical variation, residue mobility, and thermodynamic stability) indicates that this missense variant is not expected to disrupt CDKL5 protein function with a negative predictive value of 95%. In summary, the available evidence is currently insufficient to determine the role of this variant in disease. Therefore, it has been classified as a Variant of Uncertain Significance.

NM_001323289.2(CDKL5):c.1656G>T (p.Glu552Asp)

Gene: CDKL5 (cyclin dependent kinase like 5; plus strand). Cytogenetic location: Xp22.13.
Variant type: single nucleotide variant.
Coding change: c.1656G>T on transcript NM_001323289.2 (MANE Select); coding-DNA position 1656, G replaced by T.
Protein change: p.Glu552Asp; replaces glutamic acid 552 with aspartic acid.
Molecular consequence: missense variant.
Genome position (GRCh38, 1-based): chrX:18,604,580, G>T. VCF-style: chrX-18604580-G-T. GRCh37 (hg19) VCF-style: chrX-18622700-G-T.
Other names: c.1656G>T, p.Glu552Asp (NM_001037343.2, NM_003159.3); short protein forms E552D.
Identifiers: ClinVar variation 4782586 (VCV004782586.1).